The following is an entry in ClinVar:

NM_004818.3(DDX23):c.1067A>G (p.His356Arg)

Gene: DDX23 (DEAD-box helicase 23; minus strand). Cytogenetic location: 12q13.12.
Variant type: single nucleotide variant.
Coding change: c.1067A>G on transcript NM_004818.3 (MANE Select); coding-DNA position 1067, A replaced by G.
Protein change: p.His356Arg; replaces histidine 356 with arginine.
Molecular consequence: missense variant.
Genome position (GRCh38, 1-based): chr12:48,836,738, T>C on the plus strand (A>G on the coding strand, the complement: DDX23 is on the minus strand). VCF-style: chr12-48836738-T-C. GRCh37 (hg19) VCF-style: chr12-49230521-T-C.
Other names: short protein forms H356R.
Identifiers: ClinVar variation 3390798 (VCV003390798.1).

ClinVar aggregate classification (germline): Uncertain significance (1 of 4 stars; one submission).

gnomAD v4.1: 2 of 1,614,114 alleles (0.00012%); highest among the groups gnomAD compares: African/African-American, 0.0013%; no homozygotes.

Submission:

GeneDx
Classification: Uncertain significance. Last evaluated: 2024-06-11. Review status: criteria provided, single submitter. Criteria: GeneDx Variant Classification Process June 2021. Collection method: clinical testing. Allele origin: germline. Affected: yes.
Comment: Not observed at significant frequency in large population cohorts (gnomAD); In silico analysis supports that this missense variant has a deleterious effect on protein structure/function; Has not been previously published as pathogenic or benign to our knowledge